The following is an entry in ClinVar:

NM_006180.6(NTRK2):c.564C>G (p.Asn188Lys)

Gene: NTRK2 (neurotrophic receptor tyrosine kinase 2; plus strand). Cytogenetic location: 9q21.33.
Variant type: single nucleotide variant.
Coding change: c.564C>G on transcript NM_006180.6 (MANE Select); coding-DNA position 564, C replaced by G.
Protein change: p.Asn188Lys; replaces asparagine 188 with lysine.
Molecular consequence: missense variant.
Genome position (GRCh38, 1-based): chr9:84,710,772, C>G. VCF-style: chr9-84710772-C-G. GRCh37 (hg19) VCF-style: chr9-87325687-C-G.
Other names: c.564C>G, p.Asn188Lys (NM_001007097.3, NM_001018064.3, NM_001018065.2 and 18 more transcripts); c.96C>G, p.Asn32Lys (NM_001369535.1, NM_001369536.1, NM_001369550.1 and 2 more transcripts); short protein forms N188K, N32K.
Identifiers: ClinVar variation 1443160 (VCV001443160.6), dbSNP rs2131832358, ClinGen allele CA374006088.

ClinVar aggregate classification (germline): Uncertain significance (1 of 4 stars; one submission).

Submission:

Labcorp Genetics (formerly Invitae), Labcorp
Classification: Uncertain significance. Last evaluated: 2021-12-04. Review status: criteria provided, single submitter. Criteria: Invitae Variant Classification Sherloc (09022015). Collection method: clinical testing. Allele origin: germline.
Comment: In summary, the available evidence is currently insufficient to determine the role of this variant in disease. Therefore, it has been classified as a Variant of Uncertain Significance. Algorithms developed to predict the effect of missense changes on protein structure and function (SIFT, PolyPhen-2, Align-GVGD) all suggest that this variant is likely to be tolerated. This variant has not been reported in the literature in individuals affected with NTRK2-related conditions. This variant is not present in population databases (gnomAD no frequency). This sequence change replaces asparagine, which is neutral and polar, with lysine, which is basic and polar, at codon 188 of the NTRK2 protein (p.Asn188Lys).